The following is an entry in ClinVar:

NM_000051.4(ATM):c.7703G>T (p.Arg2568Ile)

Genes: ATM (ATM serine/threonine kinase; plus strand), C11orf65 (chromosome 11 open reading frame 65; minus strand). Cytogenetic location: 11q22.3.
Variant type: single nucleotide variant.
Coding change: c.7703G>T on transcript NM_000051.4 (MANE Select); coding-DNA position 7703, G replaced by T.
Protein change: p.Arg2568Ile; replaces arginine 2568 with isoleucine.
Molecular consequence: missense variant. On other transcripts: intron variant (2).
Genome position (GRCh38, 1-based): chr11:108,331,952, G>T. VCF-style: chr11-108331952-G-T. GRCh37 (hg19) VCF-style: chr11-108202679-G-T.
Other names: c.7703G>T, p.Arg2568Ile (NM_001351834.2); c.641-22881C>A (NM_001330368.2); c.*38+3268C>A (NM_001351110.2); short protein forms R2568I.
Identifiers: ClinVar variation 1760225 (VCV001760225.2), dbSNP rs1591171915, ClinGen allele CA382561043.

ClinVar aggregate classification (germline): Uncertain significance (1 of 4 stars; one submission).

Conditions:
Hereditary cancer-predisposing syndrome. Also called: Hereditary neoplastic syndrome; Neoplastic Syndromes, Hereditary; Tumor predisposition; Hereditary Cancer Syndrome. Identifiers: Orphanet 140162, MedGen C0027672, MeSH D009386, MONDO:0015356.

Submission:

Ambry Genetics
Classification: Uncertain significance for Hereditary cancer-predisposing syndrome. Last evaluated: 2019-03-27. Review status: criteria provided, single submitter. Criteria: Ambry Variant Classification Scheme 2023. Collection method: clinical testing. Allele origin: germline.
Comment: The p.R2568I variant (also known as c.7703G>T), located in coding exon 51 of the ATM gene, results from a G to T substitution at nucleotide position 7703. The arginine at codon 2568 is replaced by isoleucine, an amino acid with similar properties. This amino acid position is poorly conserved in available vertebrate species. In addition, this alteration is predicted to be tolerated by in silico analysis. Since supporting evidence is limited at this time, the clinical significance of this alteration remains unclear.